The following is an entry in ClinVar:

NM_000057.4(BLM):c.3723del (p.Phe1241fs)

Gene: BLM (BLM RecQ like helicase; plus strand). Cytogenetic location: 15q26.1.
Variant type: Deletion.
Coding change: c.3723del on transcript NM_000057.4 (MANE Select); coding-DNA position 3723, one base deleted (T; older notation c.3723delT).
Protein change: p.Phe1241fs; shifts the reading frame from phenylalanine 1241.
Molecular consequence: frameshift variant. On other transcripts: intron variant (1).
Genome position (GRCh38, 1-based): chr15:90,804,331, T deleted; the last of 5 consecutive T bases (chr15:90,804,327-90,804,331); deleting any one gives the same sequence. VCF-style (leftmost placement, unchanged base first): chr15-90804326-AT-A. GRCh37 (hg19) VCF-style: chr15-91347556-AT-A.
Other names: c.3723del, p.Phe1241fs (NM_001287246.2); c.2598del, p.Phe866fs (NM_001287248.2); c.3359-4806del (NM_001287247.2); short protein forms F1241fs, F866fs.
Identifiers: ClinVar variation 4724849 (VCV004724849.1).

ClinVar aggregate classification (germline): Pathogenic (1 of 4 stars; one submission).

Conditions:
Bloom syndrome (BLM). Also called: Bloom-Torre-Machacek syndrome. Identifiers: Orphanet 125, MedGen C0005859, MONDO:0008876, OMIM 210900.

Submission:

Labcorp Genetics (formerly Invitae), Labcorp
Classification: Pathogenic for Bloom syndrome. Last evaluated: 2025-08-05. Review status: criteria provided, single submitter. Criteria: Invitae Variant Classification Sherloc (09022015). Collection method: clinical testing. Allele origin: germline.
Comment: This sequence change creates a premature translational stop signal (p.Phe1241Leufs*38) in the BLM gene. It is expected to result in an absent or disrupted protein product. Loss-of-function variants in BLM are known to be pathogenic (PMID: 17407155). This variant is not present in population databases (gnomAD no frequency). This variant has not been reported in the literature in individuals affected with BLM-related conditions. For these reasons, this variant has been classified as Pathogenic.

Literature cited by the submitters: PubMed 17407155.